The following is an entry in ClinVar:

ClinVar aggregate classification (germline): Pathogenic/Likely pathogenic. Review status: criteria provided, multiple submitters, no conflicts (2 of 4 stars). 2 submissions from 2 submitters: Pathogenic (1); Likely pathogenic (1). Last evaluated 2025-03-04.

Conditions:
Ataxia-telangiectasia syndrome (AT). Also called: Ataxia-telangiectasia, complementation group D; AT, COMPLEMENTATION GROUP C; ATAXIA-TELANGIECTASIA, COMPLEMENTATION GROUP A; ATAXIA-TELANGIECTASIA, FRESNO VARIANT; Ataxia-telangiectasia; LOUIS-BAR SYNDROME. Identifiers: Orphanet 100, MedGen C0004135, MONDO:0008840, OMIM 208900.

Submissions (2):

Center for Genomic Medicine, Rigshospitalet, Copenhagen University Hospital
Classification: Likely pathogenic. Last evaluated: 2025-03-04. Review status: criteria provided, single submitter. Criteria: ACMG Guidelines, 2015. Collection method: clinical testing. Allele origin: germline.
Comment: Classification criteria: PVS1, PM2_supporting

Labcorp Genetics (formerly Invitae), Labcorp
Classification: Pathogenic for Ataxia-telangiectasia syndrome. Last evaluated: 2023-07-17. Review status: criteria provided, single submitter. Criteria: Invitae Variant Classification Sherloc (09022015). Collection method: clinical testing. Allele origin: germline.
Comment: This sequence change creates a premature translational stop signal (p.Thr1854Lysfs*63) in the ATM gene. It is expected to result in an absent or disrupted protein product. Loss-of-function variants in ATM are known to be pathogenic (PMID: 23807571, 25614872). For these reasons, this variant has been classified as Pathogenic. ClinVar contains an entry for this variant (Variation ID: 1802812). This variant has not been reported in the literature in individuals affected with ATM-related conditions. This variant is not present in population databases (gnomAD no frequency).

Literature cited by the submitters: PubMed 23807571 (cited by Labcorp Genetics (formerly Invitae), Labcorp); PubMed 25614872 (cited by Labcorp Genetics (formerly Invitae), Labcorp).

NM_000051.4(ATM):c.5561del (p.Thr1854fs)

Gene: ATM (ATM serine/threonine kinase; plus strand). Cytogenetic location: 11q22.3.
Variant type: Deletion.
Coding change: c.5561del on transcript NM_000051.4 (MANE Select); coding-DNA position 5561, one base deleted (C; older notation c.5561delC).
Protein change: p.Thr1854fs; shifts the reading frame from threonine 1854.
Molecular consequence: frameshift variant.
Genome position (GRCh38, 1-based): chr11:108,304,739, C deleted. VCF-style (leftmost placement, unchanged base first): chr11-108304738-AC-A. GRCh37 (hg19) VCF-style: chr11-108175465-AC-A.
Other names: c.5561del, p.Thr1854fs (NM_001351834.2); c.5561delC (NM_000051.4); short protein forms T1854fs.
Identifiers: ClinVar variation 1802812 (VCV001802812.10), dbSNP rs2477039677, ClinGen allele CA2580083389.